The following is an entry in ClinVar:

NM_138638.5(CFL2):c.*925T>C

Gene: CFL2 (cofilin 2; minus strand). Cytogenetic location: 14q13.1.
Variant type: single nucleotide variant.
Coding change: c.*925T>C on transcript NM_138638.5 (MANE Select); 925 bases downstream of the stop codon, T replaced by C.
Molecular consequence: 3 prime UTR variant. On other transcripts: non-coding transcript variant (2).
Genome position (GRCh38, 1-based): chr14:34,711,940, A>G on the plus strand (T>C on the coding strand, the complement: CFL2 is on the minus strand). VCF-style: chr14-34711940-A-G. GRCh37 (hg19) VCF-style: chr14-35181146-A-G.
Other names: c.*925T>C (NM_001243645.2, NM_021914.8).
Identifiers: ClinVar variation 313088 (VCV000313088.6), dbSNP rs11539496, ClinGen allele CA7152190.
Genomic context (GRCh38, chr14:34,711,940, plus strand): 5'-TATCACACATGAATGCTGTACAAAAAAAATTCTCAAATGACCAGTGCAGAGATTAGTAAT[A>G]GCTGTTTTTACCCTAGAAGTTGTTTCACATAACATTTTGCAAAATTTCCAAGGAAAACAA-3'

ClinVar aggregate classification (germline): Benign. Review status: criteria provided, multiple submitters, no conflicts (2 of 4 stars). 2 submissions from 2 submitters: Benign (2). Last evaluated 2018-01-13.

Conditions:
Nemaline myopathy 7 (NEM7). Also called: Nemaline myopathy 7, autosomal recessive. Identifiers: Orphanet 171436, MedGen C1853154, MONDO:0012538, OMIM 610687.

Allele frequency attached by ClinVar (database versions not stated): gnomAD exomes 0.18342 and 0.19067; ExAC 0.24622; gnomAD 0.24642 and 0.24877; TOPMed 0.25325; 1000 Genomes Project 0.27616; 1000 Genomes Project 30x 0.27983.
gnomAD v4.1: 92,912 of 454,002 alleles (20%); highest among the groups gnomAD compares: African/African-American, 46%; 11,912 homozygotes.

Submissions (2):

Illumina Laboratory Services, Illumina
Classification: Benign for Nemaline myopathy 7. Last evaluated: 2018-01-13. Review status: criteria provided, single submitter. Criteria: ICSL Variant Classification Criteria 13 December 2019. Collection method: clinical testing. Allele origin: germline.
Comment: This variant was observed in the ICSL laboratory as part of a predisposition screen in an ostensibly healthy population. It had not been previously curated by ICSL or reported in the Human Gene Mutation Database (HGMD: prior to June 1st, 2018), and was therefore a candidate for classification through an automated scoring system. Utilizing variant allele frequency, disease prevalence and penetrance estimates, and inheritance mode, an automated score was calculated to assess if this variant is too frequent to cause the disease. Based on the score and internal cut-off values, a variant classified as benign is not then subjected to further curation. The score for this variant resulted in a classification of benign for this disease.

Breakthrough Genomics
Classification: Benign. Review status: criteria provided, single submitter. Criteria: ACMG Guidelines, 2015. Collection method: not provided. Allele origin: germline. Inheritance: Autosomal recessive inheritance. Affected: yes.